The following is an entry in ClinVar:

ClinVar aggregate classification (germline): Pathogenic (1 of 4 stars; one submission).

Submission:

MVZ Dr. Eberhard & Partner Dortmund
Classification: Pathogenic. Last evaluated: 2020-01-17. Review status: criteria provided, single submitter. Criteria: ACMG Guidelines, 2015. Collection method: clinical testing. Allele origin: unknown. Observed: 1 heterozygote.
Comment: This variant is absent from controls in Exome Sequencing Project, 1000 Genomes Project and Exome Aggregation Consortium. The deletion of 5 basepairs in exon 9 creates a frame shift starting at codon Ala234. The new reading frame ends in a stop codon at position 37 (p.Ala234Leufs*37). Therefore the mutation is a null variant in a gene where loss of function is a known mechanism of diesease. The mutation probably effects the cytoplasmatic domain, which mediates the interaction between Band 3 and the membrane skeleton via ANK1, EPB41 and EPB42. In case of a premature stop codon at the predicted position the transmembrane domain would be missing. The variants Princeton (p.H275Pfs*96) (Jarolim et al. 1996, PMID: 8943874) and Noirterre (p.Q330X) (Jenkins et al. 1996, PMID: 8567957), downstream the affected location, were related to mild hereditery spherocytosis and the mutated mRNA was either not detectable or nearly absent.

NM_000342.4(SLC4A1):c.699_703del (p.Ala234fs)

Gene: SLC4A1 (solute carrier family 4 member 1 (Diego blood group); minus strand). Cytogenetic location: 17q21.31.
Variant type: Deletion.
Coding change: c.699_703del on transcript NM_000342.4 (MANE Select); coding-DNA positions 699 to 703, 5 bases deleted (CGCCG; older notation c.699_703delCGCCG).
Protein change: p.Ala234fs; shifts the reading frame from alanine 234.
Molecular consequence: frameshift variant.
Genome position (GRCh38, 1-based): chr17:44,259,336-44,259,340, CGGCG deleted on the plus strand (CGCCG on the coding strand, the reverse complement: SLC4A1 is on the minus strand); deleting any 5 consecutive bases within chr17:44,259,336-44,259,344 gives the same sequence; the c. name uses the placement nearest the transcript's 3' end. VCF-style (leftmost placement, unchanged base first): chr17-44259335-TCGGCG-T. GRCh37 (hg19) VCF-style: chr17-42336703-TCGGCG-T.
Other names: short protein forms A234fs.
Identifiers: ClinVar variation 996354 (VCV000996354.2), dbSNP rs2047420220, ClinGen allele CA2261310353.